The following is an entry in ClinVar:

ClinVar aggregate classification (germline): Uncertain significance (1 of 4 stars; one submission).

Conditions:
PIEZO1-related disorder. Also called: PIEZO1-related condition; PIEZO1-Related Disorders.

Submission:

PreventionGenetics, part of Exact Sciences
Classification: Uncertain significance for PIEZO1-related condition. Last evaluated: 2023-06-07. Review status: criteria provided, single submitter. Criteria: ACMG Guidelines, 2015. Collection method: clinical testing. Allele origin: germline.
Comment: The PIEZO1 c.3855C>G variant is predicted to result in the amino acid substitution p.Ile1285Met. To our knowledge, this variant has not been reported in the literature or in a large population database, indicating this variant is rare. At this time, the clinical significance of this variant is uncertain due to the absence of conclusive functional and genetic evidence.

NM_001142864.4(PIEZO1):c.3855C>G (p.Ile1285Met)

Gene: PIEZO1 (piezo type mechanosensitive ion channel component 1 (Er blood group); minus strand). Cytogenetic location: 16q24.3.
Variant type: single nucleotide variant.
Coding change: c.3855C>G on transcript NM_001142864.4 (MANE Select); coding-DNA position 3855, C replaced by G.
Protein change: p.Ile1285Met; replaces isoleucine 1285 with methionine.
Molecular consequence: missense variant.
Genome position (GRCh38, 1-based): chr16:88,726,397, G>C on the plus strand (C>G on the coding strand, the complement: PIEZO1 is on the minus strand). VCF-style: chr16-88726397-G-C. GRCh37 (hg19) VCF-style: chr16-88792805-G-C.
Other names: c.2397C>G, p.Ile799Met (NM_014745.1); short protein forms I1285M, I799M.
Identifiers: ClinVar variation 2632463 (VCV002632463.1), dbSNP rs1010207870, ClinGen allele CA397102354.